The following is an entry in ClinVar:

NM_001868.4(CPA1):c.41T>C (p.Val14Ala)

Gene: CPA1 (carboxypeptidase A1; plus strand). Cytogenetic location: 7q32.2.
Variant type: single nucleotide variant.
Coding change: c.41T>C on transcript NM_001868.4 (MANE Select); coding-DNA position 41, T replaced by C.
Protein change: p.Val14Ala; replaces valine 14 with alanine.
Molecular consequence: missense variant.
Genome position (GRCh38, 1-based): chr7:130,380,561, T>C. VCF-style: chr7-130380561-T-C. GRCh37 (hg19) VCF-style: chr7-130020402-T-C.
Other names: short protein forms V14A.
Identifiers: ClinVar variation 967318 (VCV000967318.9), dbSNP rs782301578, ClinGen allele CA4484653.
Genomic context (GRCh38, chr7:130,380,561, plus strand): 5'-CCTTCCCTCCCGGCAGCAGCATGCGGGGGTTGCTGGTGTTGAGTGTCCTGTTGGGGGCTG[T>C]CTTTGGCAAGGAGGACTTTGTGGGGTAGGGATGTGGAGAGGAGGGGGTGCCCTCTGAGGG-3'
Protein context (NP_001859.1, residues 4-24): LLVLSVLLGA[Val14Ala]FGKEDFVGHQ

ClinVar aggregate classification (germline): Conflicting classifications of pathogenicity. Review status: criteria provided, conflicting classifications (1 of 4 stars). 2 submissions from 2 submitters: Uncertain significance (1); Likely benign (1). Last evaluated 2026-02-01.

Conditions:
Hereditary pancreatitis (PCTT). Also called: Hereditary chronic pancreatitis; PRSS1-Related Hereditary Pancreatitis. Identifiers: Orphanet 676, MedGen C0238339, MONDO:0008185, OMIM 167800.

Allele frequency attached by ClinVar (database versions not stated): ExAC 0.00001; gnomAD exomes 0.00001; gnomAD 0.00006.
gnomAD v4.1: 17 of 1,317,000 alleles (0.0013%); highest among the groups gnomAD compares: Admixed American, 0.027%; 1 homozygote.

Submissions (2):

Labcorp Genetics (formerly Invitae), Labcorp
Classification: Uncertain significance. Last evaluated: 2026-02-01. Review status: criteria provided, single submitter. Criteria: Invitae Variant Classification Sherloc (09022015). Collection method: clinical testing. Allele origin: germline.
Comment: This sequence change replaces valine, which is neutral and non-polar, with alanine, which is neutral and non-polar, at codon 14 of the CPA1 protein (p.Val14Ala). This variant is present in population databases (rs782301578, gnomAD no frequency). This variant has not been reported in the literature in individuals affected with CPA1-related conditions. ClinVar contains an entry for this variant (Variation ID: 967318). An algorithm developed to predict the effect of missense changes on protein structure and function outputs the following: PolyPhen-2: "Not Available". The alanine amino acid residue is found in multiple mammalian species, which suggests that this missense change does not adversely affect protein function. In summary, the available evidence is currently insufficient to determine the role of this variant in disease. Therefore, it has been classified as a Variant of Uncertain Significance.

Ambry Genetics
Classification: Likely benign for Hereditary pancreatitis. Last evaluated: 2023-05-10. Review status: criteria provided, single submitter. Criteria: Ambry Variant Classification Scheme 2023. Collection method: clinical testing. Allele origin: germline.